The following is an entry in ClinVar:

ClinVar aggregate classification (germline): Uncertain significance. Review status: criteria provided, multiple submitters, no conflicts (2 of 4 stars). 2 submissions from 2 submitters: Uncertain significance (2). Last evaluated 2024-09-12.

Allele frequency attached by ClinVar (database versions not stated): gnomAD exomes 0.00008; gnomAD 0.00009; TOPMed 0.00009; ExAC 0.00010; 1000 Genomes Project 30x 0.00031; 1000 Genomes Project 0.00040.
gnomAD v4.1: 79 of 1,614,076 alleles (0.0049%); highest among the groups gnomAD compares: Admixed American, 0.015%; no homozygotes.

Submissions (2):

Blueprint Genetics
Classification: Uncertain significance. Last evaluated: 2024-09-12. Review status: criteria provided, single submitter. Criteria: ACMG Guidelines, 2015. Collection method: clinical testing. Allele origin: germline.

Labcorp Genetics (formerly Invitae), Labcorp
Classification: Uncertain significance. Last evaluated: 2023-12-11. Review status: criteria provided, single submitter. Criteria: Invitae Variant Classification Sherloc (09022015). Collection method: clinical testing. Allele origin: germline.
Comment: This sequence change replaces valine, which is neutral and non-polar, with isoleucine, which is neutral and non-polar, at codon 359 of the C8B protein (p.Val359Ile). This variant is present in population databases (rs148695486, gnomAD 0.02%). This variant has not been reported in the literature in individuals affected with C8B-related conditions. ClinVar contains an entry for this variant (Variation ID: 1493063). Algorithms developed to predict the effect of missense changes on protein structure and function output the following: SIFT: "Not Available"; PolyPhen-2: "Benign"; Align-GVGD: "Not Available". The isoleucine amino acid residue is found in multiple mammalian species, which suggests that this missense change does not adversely affect protein function. In summary, the available evidence is currently insufficient to determine the role of this variant in disease. Therefore, it has been classified as a Variant of Uncertain Significance.

NM_000066.4(C8B):c.1075G>A (p.Val359Ile)

Gene: C8B (complement C8 beta chain; minus strand). Cytogenetic location: 1p32.2.
Variant type: single nucleotide variant.
Coding change: c.1075G>A on transcript NM_000066.4 (MANE Select); coding-DNA position 1075, G replaced by A.
Protein change: p.Val359Ile; replaces valine 359 with isoleucine.
Molecular consequence: missense variant.
Genome position (GRCh38, 1-based): chr1:56,945,851, C>T on the plus strand (G>A on the coding strand, the complement: C8B is on the minus strand). VCF-style: chr1-56945851-C-T. GRCh37 (hg19) VCF-style: chr1-57411524-C-T.
Other names: c.919G>A, p.Val307Ile (NM_001278543.2); c.889G>A, p.Val297Ile (NM_001278544.2); short protein forms V307I, V297I, V359I.
Identifiers: ClinVar variation 1493063 (VCV001493063.5), dbSNP rs148695486, ClinGen allele CA875764.